The following is an entry in ClinVar:

NM_020655.4(JPH3):c.960C>T (p.Arg320=)

Gene: JPH3 (junctophilin 3; plus strand). Cytogenetic location: 16q24.2.
Variant type: single nucleotide variant.
Coding change: c.960C>T on transcript NM_020655.4 (MANE Select); coding-DNA position 960, C replaced by T.
Protein change: p.Arg320=; no amino-acid change (arginine 320 retained).
Molecular consequence: synonymous variant. On other transcripts: non-coding transcript variant (1).
Genome position (GRCh38, 1-based): chr16:87,644,835, C>T. VCF-style: chr16-87644835-C-T. GRCh37 (hg19) VCF-style: chr16-87678441-C-T.
Identifiers: ClinVar variation 3057021 (VCV003057021.2), dbSNP rs8051448, ClinGen allele CA8220916.

ClinVar aggregate classification (germline): Benign (0 of 4 stars; one submission).

Conditions:
JPH3-related disorder. Also called: JPH3-related condition.

Allele frequency attached by ClinVar (database versions not stated): ESP Exome Variant Server 0.13781; 1000 Genomes Project 0.11242; 1000 Genomes Project 30x 0.11508; ExAC 0.12650; TOPMed 0.12793; gnomAD 0.12926; gnomAD exomes 0.13529.
gnomAD v4.1: 217,221 of 1,613,292 alleles (13%); highest among the groups gnomAD compares: Middle Eastern, 18%; 15,544 homozygotes.

Submission:

PreventionGenetics, part of Exact Sciences
Classification: Benign for JPH3-related condition. Last evaluated: 2019-10-21. Review status: no assertion criteria provided. Collection method: clinical testing. Allele origin: germline.
Comment: This variant is classified as benign based on ACMG/AMP sequence variant interpretation guidelines (Richards et al. 2015 PMID: 25741868, with internal and published modifications).